The following is an entry in ClinVar:

ClinVar aggregate classification (germline): Likely benign. Review status: criteria provided, multiple submitters, no conflicts (2 of 4 stars). 5 submissions from 5 submitters: Likely benign (4). 1 of the submissions does not count toward it. Last evaluated 2025-06-05.

Conditions:
COL4A6-related disorder. Also called: COL4A6-related condition.

Allele frequency attached by ClinVar (database versions not stated): gnomAD 0.00003 and 0.00012; TOPMed 0.00007; ESP Exome Variant Server 0.00009; 1000 Genomes Project 30x 0.00021; ExAC 0.00025; gnomAD exomes 0.00026.
gnomAD v4.1: 183 of 1,210,050 alleles (0.015%); highest among the groups gnomAD compares: South Asian, 0.23%; 2 homozygotes.

Submissions (5):

Labcorp Genetics (formerly Invitae), Labcorp
Classification: Likely benign. Last evaluated: 2025-06-05. Review status: criteria provided, single submitter. Criteria: Invitae Variant Classification Sherloc (09022015). Collection method: clinical testing. Allele origin: germline.

Blueprint Genetics
Classification: Likely benign. Last evaluated: 2024-10-31. Review status: criteria provided, single submitter. Criteria: ACMG Guidelines, 2015. Collection method: clinical testing. Allele origin: germline.

CeGaT Center for Human Genetics Tuebingen
Classification: Likely benign. Last evaluated: 2023-08-01. Review status: criteria provided, single submitter. Criteria: CeGaT Center For Human Genetics Tuebingen Variant Classification Criteria Version 2. Collection method: clinical testing. Allele origin: germline. Affected: yes. Observed: 1 variant allele.
Comment: COL4A6: BS2

Breakthrough Genomics
Classification: Likely benign. Review status: criteria provided, single submitter. Criteria: ACMG Guidelines, 2015. Collection method: not provided. Allele origin: germline. Inheritance: X-linked inheritance. Affected: yes.

PreventionGenetics, part of Exact Sciences
Classification: Likely benign for COL4A6-related condition. Last evaluated: 2022-05-19. Review status: no assertion criteria provided. Collection method: clinical testing. Allele origin: germline. Not counted in ClinVar's aggregate classification.
Comment: This variant is classified as likely benign based on ACMG/AMP sequence variant interpretation guidelines (Richards et al. 2015 PMID: 25741868, with internal and published modifications).

NM_033641.4(COL4A6):c.4550G>A (p.Arg1517His)

Gene: COL4A6 (collagen type IV alpha 6 chain; minus strand). Cytogenetic location: Xq22.3.
Variant type: single nucleotide variant.
Coding change: c.4550G>A on transcript NM_033641.4 (MANE Select); coding-DNA position 4550, G replaced by A.
Protein change: p.Arg1517His; replaces arginine 1517 with histidine.
Molecular consequence: missense variant.
Genome position (GRCh38, 1-based): chrX:108,159,724, C>T on the plus strand (G>A on the coding strand, the complement: COL4A6 is on the minus strand). VCF-style: chrX-108159724-C-T. GRCh37 (hg19) VCF-style: chrX-107402954-C-T.
Other names: c.4601G>A, p.Arg1534His (NM_001287758.2); c.4478G>A, p.Arg1493His (NM_001287759.2); c.4379G>A, p.Arg1460His (NM_001287760.2); c.4553G>A, p.Arg1518His (NM_001847.4); short protein forms R1460H, R1518H, R1493H, R1534H, R1517H.
Identifiers: ClinVar variation 725957 (VCV000725957.33), dbSNP rs367690342, ClinGen allele CA10487151.